The following is an entry in ClinVar:

ClinVar aggregate classification (germline): Uncertain significance (1 of 4 stars; one submission).

Allele frequency attached by ClinVar (database versions not stated): gnomAD 0.00001; gnomAD exomes 0.00001.
gnomAD v4.1: 8 of 1,613,266 alleles (0.0005%); highest among the groups gnomAD compares: African/African-American, 0.0027%; no homozygotes.

Submission:

Labcorp Genetics (formerly Invitae), Labcorp
Classification: Uncertain significance. Last evaluated: 2022-07-12. Review status: criteria provided, single submitter. Criteria: Invitae Variant Classification Sherloc (09022015). Collection method: clinical testing. Allele origin: germline.
Comment: In summary, the available evidence is currently insufficient to determine the role of this variant in disease. Therefore, it has been classified as a Variant of Uncertain Significance. Algorithms developed to predict the effect of missense changes on protein structure and function are either unavailable or do not agree on the potential impact of this missense change (SIFT: "Deleterious"; PolyPhen-2: "Benign"; Align-GVGD: "Class C0"). This variant has not been reported in the literature in individuals affected with DSCAML1-related conditions. This variant is not present in population databases (gnomAD no frequency). This sequence change replaces methionine, which is neutral and non-polar, with threonine, which is neutral and polar, at codon 488 of the DSCAML1 protein (p.Met488Thr).

NM_020693.4(DSCAML1):c.1283T>C (p.Met428Thr)

Gene: DSCAML1 (DS cell adhesion molecule like 1; minus strand). Cytogenetic location: 11q23.3.
Variant type: single nucleotide variant.
Coding change: c.1283T>C on transcript NM_020693.4 (MANE Select); coding-DNA position 1283, T replaced by C.
Protein change: p.Met428Thr; replaces methionine 428 with threonine.
Molecular consequence: missense variant.
Genome position (GRCh38, 1-based): chr11:117,518,693, A>G on the plus strand (T>C on the coding strand, the complement: DSCAML1 is on the minus strand). VCF-style: chr11-117518693-A-G. GRCh37 (hg19) VCF-style: chr11-117389408-A-G.
Other names: c.1283T>C, p.Met428Thr (NM_001367904.1); c.875T>C, p.Met292Thr (NM_001367905.1); short protein forms M292T, M428T.
Identifiers: ClinVar variation 2016277 (VCV002016277.4), dbSNP rs768570605, ClinGen allele CA229373071.